The following is an entry in ClinVar:

NM_052845.4(MMAB):c.*380A>T

Gene: MMAB (metabolism of cobalamin associated B; minus strand). Cytogenetic location: 12q24.11.
Variant type: single nucleotide variant.
Coding change: c.*380A>T on transcript NM_052845.4 (MANE Select); 380 bases downstream of the stop codon, A replaced by T.
Molecular consequence: 3 prime UTR variant. On other transcripts: non-coding transcript variant (1).
Genome position (GRCh38, 1-based): chr12:109,556,648, T>A on the plus strand (A>T on the coding strand, the complement: MMAB is on the minus strand). VCF-style: chr12-109556648-T-A. GRCh37 (hg19) VCF-style: chr12-109994453-T-A.
Identifiers: ClinVar variation 307060 (VCV000307060.6), dbSNP rs74967596, ClinGen allele CA6778691.

ClinVar aggregate classification (germline): Benign. Review status: criteria provided, multiple submitters, no conflicts (2 of 4 stars). 2 submissions from 2 submitters: Benign (2). Last evaluated 2018-01-13.

Conditions:
Methylmalonic aciduria, cblB type (MACB). Also called: Vitamin B12-responsive methylmalonic acidemia type cblB; METHYLMALONIC ACIDURIA, VITAMIN B12-RESPONSIVE, DUE TO DEFECT IN SYNTHESIS OF ADENOSYLCOBALAMIN, cblB TYPE; Methylmalonic acidemia cblB type. Identifiers: Orphanet 28, Orphanet 79311, MedGen C1855102, MONDO:0009614, OMIM 251110.

Allele frequency attached by ClinVar (database versions not stated): ExAC 0.00624; gnomAD 0.01505 and 0.01512.

Submissions (2):

Illumina Laboratory Services, Illumina
Classification: Benign for Methylmalonic aciduria, cblB type. Last evaluated: 2018-01-13. Review status: criteria provided, single submitter. Criteria: ICSL Variant Classification Criteria 13 December 2019. Collection method: clinical testing. Allele origin: germline.
Comment: This variant was observed in the ICSL laboratory as part of a predisposition screen in an ostensibly healthy population. It had not been previously curated by ICSL or reported in the Human Gene Mutation Database (HGMD: prior to June 1st, 2018), and was therefore a candidate for classification through an automated scoring system. Utilizing variant allele frequency, disease prevalence and penetrance estimates, and inheritance mode, an automated score was calculated to assess if this variant is too frequent to cause the disease. Based on the score and internal cut-off values, a variant classified as benign is not then subjected to further curation. The score for this variant resulted in a classification of benign for this disease.

Breakthrough Genomics
Classification: Benign. Review status: criteria provided, single submitter. Criteria: ACMG Guidelines, 2015. Collection method: not provided. Allele origin: germline. Inheritance: Autosomal recessive inheritance. Affected: yes.